The following is an entry in ClinVar:

NM_000075.4(CDK4):c.172_186del (p.Ala58_Arg62del)

Genes: CDK4 (cyclin dependent kinase 4; minus strand), LOC130008148 (ATAC-STARR-seq lymphoblastoid silent region 4588; plus strand). Cytogenetic location: 12q14.1.
Variant type: Deletion.
Coding change: c.172_186del on transcript NM_000075.4 (MANE Select); coding-DNA positions 172 to 186, 15 bases deleted (GCTTTACTGAGGCGA).
Protein change: p.Ala58_Arg62del.
Molecular consequence: inframe deletion.
Genome position (GRCh38, 1-based): chr12:57,751,532-57,751,546, TCGCCTCAGTAAAGC deleted on the plus strand (GCTTTACTGAGGCGA on the coding strand, the reverse complement: CDK4 is on the minus strand). VCF-style (leftmost placement, unchanged base first): chr12-57751531-GTCGCCTCAGTAAAGC-G. GRCh37 (hg19) VCF-style: chr12-58145314-GTCGCCTCAGTAAAGC-G.
Other names: c.172_186del15 (NM_000075.3).
Identifiers: ClinVar variation 1498389 (VCV001498389.7), dbSNP rs2140388212, ClinGen allele CA2573148902.

ClinVar aggregate classification (germline): Uncertain significance. Review status: criteria provided, multiple submitters, no conflicts (2 of 4 stars). 2 submissions from 2 submitters: Uncertain significance (2). Last evaluated 2025-11-24.

Conditions:
Familial melanoma. Also called: Hereditary melanoma; Hereditary cutaneous melanoma. Identifiers: Orphanet 618, MedGen C1512419, MONDO:0018961.
Hereditary cancer-predisposing syndrome. Also called: Tumor predisposition; Hereditary neoplastic syndrome; Neoplastic Syndromes, Hereditary; Hereditary Cancer Syndrome. Identifiers: Orphanet 140162, MedGen C0027672, MeSH D009386, MONDO:0015356.

Allele frequency attached by ClinVar (database versions not stated): gnomAD exomes below 0.00001.

Submissions (2):

Ambry Genetics
Classification: Uncertain significance for Hereditary cancer-predisposing syndrome. Last evaluated: 2025-11-24. Review status: criteria provided, single submitter. Criteria: Ambry Variant Classification Scheme 2023. Collection method: clinical testing. Allele origin: germline.
Comment: The c.172_186del15 variant (also known as p.A58_R62del) is located in coding exon 1 of the CDK4 gene. This variant results from an in-frame GCTTTACTGAGGCGA deletion at nucleotide positions 172 to 186. This results in the in-frame deletion of 5 residues (ALLRR) at codons 58 to 62. This amino acid region is well conserved in available vertebrate species. In addition, this variant is predicted to be deleterious by in silico analysis (Choi Y et al. PLoS ONE. 2012; 7(10):e46688). Based on the available evidence, the clinical significance of this variant remains unclear.

Labcorp Genetics (formerly Invitae), Labcorp
Classification: Uncertain significance for Familial melanoma. Last evaluated: 2025-09-27. Review status: criteria provided, single submitter. Criteria: Invitae Variant Classification Sherloc (09022015). Collection method: clinical testing. Allele origin: germline.
Comment: This variant, c.172_186del, results in the deletion of 5 amino acid(s) of the CDK4 protein (p.Ala58_Arg62del), but otherwise preserves the integrity of the reading frame. This variant is not present in population databases (gnomAD no frequency). This variant has not been reported in the literature in individuals affected with CDK4-related conditions. ClinVar contains an entry for this variant (Variation ID: 1498389). Experimental studies and prediction algorithms are not available or were not evaluated, and the functional significance of this variant is currently unknown. In summary, the available evidence is currently insufficient to determine the role of this variant in disease. Therefore, it has been classified as a Variant of Uncertain Significance.